The following is an entry in ClinVar:

ClinVar aggregate classification (germline): Likely pathogenic (1 of 4 stars; one submission).

Conditions:
Autosomal recessive nonsyndromic hearing loss 3. Also called: NEUROSENSORY NONSYNDROMIC RECESSIVE DEAFNESS 3. Identifiers: Orphanet 90636, MedGen C1838263, MONDO:0010860, OMIM 600316.

Submission:

Institute of Rare Diseases, West China Hospital, Sichuan University
Classification: Likely pathogenic for Autosomal recessive nonsyndromic hearing loss 3. Last evaluated: 2025-01-09. Review status: criteria provided, single submitter. Criteria: ClinGen HL ACMG Specifications v1. Collection method: research. Allele origin: germline. Affected: yes.
Comment: PVS1;PM2_Supporting

NM_016239.4(MYO15A):c.5309_5310del (p.Val1770fs)

Gene: MYO15A (myosin XVA; plus strand). Cytogenetic location: 17p11.2.
Variant type: Microsatellite.
Coding change: c.5309_5310del on transcript NM_016239.4 (MANE Select); coding-DNA positions 5309 to 5310, 2 bases deleted (TG; older notation c.5309_5310delTG).
Protein change: p.Val1770fs; shifts the reading frame from valine 1770.
Molecular consequence: frameshift variant.
Genome position (GRCh38, 1-based): chr17:18,140,614-18,140,615, TG deleted; deleting any 2 consecutive bases within chr17:18,140,612-18,140,615 gives the same sequence; the c. name uses the placement nearest the transcript's 3' end. VCF-style (leftmost placement, unchanged base first): chr17-18140611-CTG-C. GRCh37 (hg19) VCF-style: chr17-18043925-CTG-C.
Other names: short protein forms V1770fs.
Identifiers: ClinVar variation 3601357 (VCV003601357.1).
Genomic context (GRCh38, chr17:18,140,611, plus strand): 5'-AGGCTGCCCCTCAGCGCCTGGGCAAGAGCAGCTCCGTCACTCGGCTCTACAAGGCGCACA[CTG>C]TGGCCGCCAAGTTCCAGCAGTCACTCCTGGATCTGGTGGAAAAGATGGAGAGGTGGGGTG-3'